The following is an entry in ClinVar:

ClinVar aggregate classification (germline): Uncertain significance. Review status: criteria provided, multiple submitters, no conflicts (2 of 4 stars). 5 submissions from 5 submitters: Uncertain significance (5). Last evaluated 2025-10-07.

Conditions:
Polyposis syndrome, hereditary mixed, 2. Identifiers: Orphanet 157794, MedGen C1864730, MONDO:0012405, OMIM 610069.
Juvenile polyposis syndrome (JPS). Identifiers: Orphanet 2929, MedGen C0345893, MONDO:0017380, OMIM 174900.
Hereditary cancer-predisposing syndrome. Also called: Hereditary neoplastic syndrome; Hereditary Cancer Syndrome; Neoplastic Syndromes, Hereditary; Tumor predisposition. Identifiers: Orphanet 140162, MedGen C0027672, MeSH D009386, MONDO:0015356.

Allele frequency attached by ClinVar (database versions not stated): gnomAD exomes below 0.00001; TOPMed below 0.00001.

Submissions (5):

Labcorp Genetics (formerly Invitae), Labcorp
Classification: Uncertain significance for Juvenile polyposis syndrome. Last evaluated: 2025-10-07. Review status: criteria provided, single submitter. Criteria: Invitae Variant Classification Sherloc (09022015). Collection method: clinical testing. Allele origin: germline.
Comment: This sequence change replaces threonine, which is neutral and polar, with serine, which is neutral and polar, at codon 280 of the BMPR1A protein (p.Thr280Ser). This variant is present in population databases (no rsID available, gnomAD 0.0009%). This variant has not been reported in the literature in individuals affected with BMPR1A-related conditions. ClinVar contains an entry for this variant (Variation ID: 418880). Invitae Evidence Modeling of protein sequence and biophysical properties (such as structural, functional, and spatial information, amino acid conservation, physicochemical variation, residue mobility, and thermodynamic stability) indicates that this missense variant is not expected to disrupt BMPR1A protein function with a negative predictive value of 80%. In summary, the available evidence is currently insufficient to determine the role of this variant in disease. Therefore, it has been classified as a Variant of Uncertain Significance.

Ambry Genetics
Classification: Uncertain significance for Hereditary cancer-predisposing syndrome. Last evaluated: 2025-01-10. Review status: criteria provided, single submitter. Criteria: Ambry Variant Classification Scheme 2023. Collection method: clinical testing. Allele origin: germline.
Comment: The p.T280S variant (also known as c.839C>G), located in coding exon 7 of the BMPR1A gene, results from a C to G substitution at nucleotide position 839. The threonine at codon 280 is replaced by serine, an amino acid with similar properties. This variant has been reported in 1/1120 pediatric cancer patients who underwent whole genome sequencing and/or whole exome sequencing; this patient was diagnosed with ALL (Zhang J et al. N. Engl. J. Med., 2015 Dec;373:2336-2346). This amino acid position is highly conserved in available vertebrate species. In addition, this alteration is predicted to be deleterious by in silico analysis. Since supporting evidence is limited at this time, the clinical significance of this alteration remains unclear.

Fulgent Genetics
Classification: Uncertain significance for Juvenile polyposis syndrome; Polyposis syndrome, hereditary mixed, 2. Last evaluated: 2024-04-10. Review status: criteria provided, single submitter. Criteria: ACMG Guidelines, 2015. Collection method: clinical testing. Allele origin: germline.

Baylor Genetics
Classification: Uncertain significance for Polyposis syndrome, hereditary mixed, 2. Last evaluated: 2024-02-09. Review status: criteria provided, single submitter. Criteria: ACMG Guidelines, 2015. Collection method: clinical testing. Allele origin: unknown.

GeneDx
Classification: Uncertain significance. Last evaluated: 2015-04-10. Review status: criteria provided, single submitter. Criteria: GeneDx Variant Classification (06012015). Collection method: clinical testing. Allele origin: germline. Affected: yes.
Comment: This variant is denoted BMPR1A c.839C>G at the cDNA level, p.Thr280Ser (T280S) at the protein level, and results in the change of a Threonine to a Serine (ACT>AGT). This variant has not, to our knowledge, been published in the literature as pathogenic or benign. BMPR1A Thr280Ser was not observed in approximately 6,500 individuals of European and African American ancestry in the NHLBI Exome Sequencing Project, indicating it is not a common benign variant in these populations. Since Threonine and Serine share similar properties, this is considered a conservative amino acid substitution. BMPR1A Thr280Ser occurs at a position that is conserved across species and is located within the MH1 domain (Howe 2004). In silico analyses predict that this variant is probably damaging to protein structure and function. Based on currently available information, it is unclear whether BMPR1A Thr280Ser is pathogenic or benign. We consider it to be a variant of uncertain significance.

Literature cited by the submitters: PubMed 26580448 (cited by Ambry Genetics).

NM_004329.3(BMPR1A):c.839C>G (p.Thr280Ser)

Gene: BMPR1A (bone morphogenetic protein receptor type 1A; plus strand). Cytogenetic location: 10q23.2.
Variant type: single nucleotide variant.
Coding change: c.839C>G on transcript NM_004329.3 (MANE Select); coding-DNA position 839, C replaced by G.
Protein change: p.Thr280Ser; replaces threonine 280 with serine.
Molecular consequence: missense variant.
Genome position (GRCh38, 1-based): chr10:86,917,297, C>G. VCF-style: chr10-86917297-C-G. GRCh37 (hg19) VCF-style: chr10-88677054-C-G.
Other names: short protein forms T280S.
Identifiers: ClinVar variation 418880 (VCV000418880.16), dbSNP rs1064793497, ClinGen allele CA16619006.